The following is an entry in ClinVar:

ClinVar aggregate classification (germline): Uncertain significance (1 of 4 stars; one submission).

Submission:

GeneDx
Classification: Uncertain significance. Last evaluated: 2020-11-30. Review status: criteria provided, single submitter. Criteria: GeneDx Variant Classification Process June 2021. Collection method: clinical testing. Allele origin: germline. Affected: yes.
Comment: Has not been previously published as pathogenic or benign to our knowledge; Not observed in large population cohorts (Lek et al., 2016); In silico analysis supports that this missense variant has a deleterious effect on protein structure/function; Occurs in the triple helical domain at the X position in the canonical Gly-X-Y repeat; although this variant may have an effect on normal protein folding and function, missense substitution at the X position is not a common mechanism of disease (Symoens et al., 2012; Stenson et al., 2014)

NM_000093.5(COL5A1):c.2866C>A (p.Pro956Thr)

Gene: COL5A1 (collagen type V alpha 1 chain; plus strand). Cytogenetic location: 9q34.3.
Variant type: single nucleotide variant.
Coding change: c.2866C>A on transcript NM_000093.5 (MANE Select); coding-DNA position 2866, C replaced by A.
Protein change: p.Pro956Thr; replaces proline 956 with threonine.
Molecular consequence: missense variant.
Genome position (GRCh38, 1-based): chr9:134,796,869, C>A. VCF-style: chr9-134796869-C-A. GRCh37 (hg19) VCF-style: chr9-137688715-C-A.
Other names: c.2866C>A, p.Pro956Thr (NM_001278074.1); short protein forms P956T.
Identifiers: ClinVar variation 1315709 (VCV001315709.2), dbSNP rs2132807920, ClinGen allele CA375457056.